The following is an entry in ClinVar:

NM_004958.4(MTOR):c.784C>A (p.His262Asn)

Gene: MTOR (mechanistic target of rapamycin kinase; minus strand). Cytogenetic location: 1p36.22.
Variant type: single nucleotide variant.
Coding change: c.784C>A on transcript NM_004958.4 (MANE Select); coding-DNA position 784, C replaced by A.
Protein change: p.His262Asn; replaces histidine 262 with asparagine.
Molecular consequence: missense variant. On other transcripts: 5 prime UTR variant (1).
Genome position (GRCh38, 1-based): chr1:11,253,895, G>T on the plus strand (C>A on the coding strand, the complement: MTOR is on the minus strand). VCF-style: chr1-11253895-G-T. GRCh37 (hg19) VCF-style: chr1-11313952-G-T.
Other names: c.784C>A, p.His262Asn (NM_001386500.1); c.-356C>A (NM_001386501.1); short protein forms H262N.
Identifiers: ClinVar variation 3372332 (VCV003372332.1).
Genomic context (GRCh38, chr1:11,253,895, plus strand): 5'-TCACCTCTCCCTCCATGCTGCTGATTCGGACCAGCTCGTTAAGGATCAACAAGGCTCCAT[G>T]GATCCGATCATCCCGATTCATGCCCTTCTCTTTGGCCAAGGTCTCATCAAATCCCTTCTC-3'
Protein context (NP_004949.1, residues 252-272): EKGMNRDDRI[His262Asn]GALLILNELV

ClinVar aggregate classification (germline): Uncertain significance (1 of 4 stars; one submission).

Submission:

GeneDx
Classification: Uncertain significance. Last evaluated: 2024-04-14. Review status: criteria provided, single submitter. Criteria: GeneDx Variant Classification Process June 2021. Collection method: clinical testing. Allele origin: germline. Affected: yes.
Comment: Not observed at significant frequency in large population cohorts (gnomAD); In silico analysis supports that this missense variant has a deleterious effect on protein structure/function; Has not been previously published as pathogenic or benign to our knowledge